The following is an entry in ClinVar:

NM_000094.4(COL7A1):c.8752C>T (p.Arg2918Cys)

Gene: COL7A1 (collagen type VII alpha 1 chain; minus strand). Cytogenetic location: 3p21.31.
Variant type: single nucleotide variant.
Coding change: c.8752C>T on transcript NM_000094.4 (MANE Select); coding-DNA position 8752, C replaced by T.
Protein change: p.Arg2918Cys; replaces arginine 2918 with cysteine.
Molecular consequence: missense variant.
Genome position (GRCh38, 1-based): chr3:48,564,849, G>A on the plus strand (C>T on the coding strand, the complement: COL7A1 is on the minus strand). VCF-style: chr3-48564849-G-A. GRCh37 (hg19) VCF-style: chr3-48602282-G-A.
Other names: short protein forms R2918C.
Identifiers: ClinVar variation 2154690 (VCV002154690.3), dbSNP rs572217586, ClinGen allele CA2377885.

ClinVar aggregate classification (germline): Uncertain significance (1 of 4 stars; one submission).

Allele frequency attached by ClinVar (database versions not stated): ExAC 0.00001; gnomAD 0.00002.
gnomAD v4.1: 24 of 1,614,104 alleles (0.0015%); highest among the groups gnomAD compares: South Asian, 0.0055%; no homozygotes.

Submission:

Labcorp Genetics (formerly Invitae), Labcorp
Classification: Uncertain significance. Last evaluated: 2025-11-19. Review status: criteria provided, single submitter. Criteria: Invitae Variant Classification Sherloc (09022015). Collection method: clinical testing. Allele origin: germline.
Comment: This sequence change replaces arginine, which is basic and polar, with cysteine, which is neutral and slightly polar, at codon 2918 of the COL7A1 protein (p.Arg2918Cys). This variant is present in population databases (rs572217586, gnomAD 0.003%). This variant has not been reported in the literature in individuals affected with COL7A1-related conditions. ClinVar contains an entry for this variant (Variation ID: 2154690). Invitae Evidence Modeling of protein sequence and biophysical properties (such as structural, functional, and spatial information, amino acid conservation, physicochemical variation, residue mobility, and thermodynamic stability) has been performed for this missense variant. However, the output from this modeling did not meet the statistical confidence thresholds required to predict the impact of this variant on COL7A1 protein function. In summary, the available evidence is currently insufficient to determine the role of this variant in disease. Therefore, it has been classified as a Variant of Uncertain Significance.